The following is an entry in ClinVar:

NM_000088.4(COL1A1):c.101_103+5del

Gene: COL1A1 (collagen type I alpha 1 chain; minus strand). Cytogenetic location: 17q21.33.
Variant type: Deletion.
Coding change: c.101_103+5del on transcript NM_000088.4 (MANE Select); coding-DNA position 101 through 5 bases into the intron after coding-DNA position 103, 8 bases deleted (ACAGTAAG; older notation c.101_103+5delACAGTAAG).
Molecular consequence: splice donor variant.
Genome position (GRCh38, 1-based): chr17:50,201,406-50,201,413, CTTACTGT deleted on the plus strand (ACAGTAAG on the coding strand, the reverse complement: COL1A1 is on the minus strand); deleting any 8 consecutive bases within chr17:50,201,406-50,201,416 gives the same sequence; the c. name uses the placement nearest the transcript's 3' end. VCF-style (leftmost placement, unchanged base first): chr17-50201405-ACTTACTGT-A. GRCh37 (hg19) VCF-style: chr17-48278766-ACTTACTGT-A.
Identifiers: ClinVar variation 4292350 (VCV004292350.1).

ClinVar aggregate classification (germline): Likely pathogenic (1 of 4 stars; one submission).

Conditions:
COL1A1-related disorder. Also called: COL1A1- related disease; COL1A1-related condition.

Submission:

3billion
Classification: Likely pathogenic for COL1A1-related disorder. Last evaluated: 2025-01-18. Review status: criteria provided, single submitter. Criteria: ACMG Guidelines, 2015. Collection method: clinical testing. Allele origin: germline. Affected: yes.
Comment: The variant is not observed in the gnomAD v4.1.0 dataset. Predicted Consequence/Location: Canonical splice site: predicted to alter splicing and result in a loss or disruption of normal protein function. Multiple pathogenic loss-of-function variants are reported downstream of the variant. In silico tools predict the variant to alter splicing and produce an abnormal transcript [SpliceAI: 1.00 (spliceogenicity >=0.2, non-spliceogenicity <0.1)]. Therefore, this variant is classified as Likely pathogenic according to the recommendation of ACMG/AMP guideline.